The following is an entry in ClinVar:

NM_001384732.1(CPLANE1):c.473C>T (p.Ala158Val)

Gene: CPLANE1 (ciliogenesis and planar polarity effector complex subunit 1; minus strand). Cytogenetic location: 5p13.2.
Variant type: single nucleotide variant.
Coding change: c.473C>T on transcript NM_001384732.1 (MANE Select); coding-DNA position 473, C replaced by T.
Protein change: p.Ala158Val; replaces alanine 158 with valine.
Molecular consequence: missense variant.
Genome position (GRCh38, 1-based): chr5:37,244,472, G>A on the plus strand (C>T on the coding strand, the complement: CPLANE1 is on the minus strand). VCF-style: chr5-37244472-G-A. GRCh37 (hg19) VCF-style: chr5-37244574-G-A.
Other names: c.473C>T, p.Ala158Val (NM_023073.4); short protein forms A158V.
Identifiers: ClinVar variation 1525074 (VCV001525074.5), dbSNP rs751087543, ClinGen allele CA3239186.

ClinVar aggregate classification (germline): Uncertain significance (1 of 4 stars; one submission).

Allele frequency attached by ClinVar (database versions not stated): gnomAD 0.00001 and 0.00003; gnomAD exomes 0.00002 and 0.00004; TOPMed 0.00002; ExAC 0.00004.

Submission:

Labcorp Genetics (formerly Invitae), Labcorp
Classification: Uncertain significance. Last evaluated: 2024-07-29. Review status: criteria provided, single submitter. Criteria: Invitae Variant Classification Sherloc (09022015). Collection method: clinical testing. Allele origin: germline.
Comment: This sequence change replaces alanine, which is neutral and non-polar, with valine, which is neutral and non-polar, at codon 158 of the CPLANE1 protein (p.Ala158Val). This variant is present in population databases (rs751087543, gnomAD 0.02%). This variant has not been reported in the literature in individuals affected with CPLANE1-related conditions. ClinVar contains an entry for this variant (Variation ID: 1525074). Advanced modeling of protein sequence and biophysical properties (such as structural, functional, and spatial information, amino acid conservation, physicochemical variation, residue mobility, and thermodynamic stability) performed at Invitae indicates that this missense variant is not expected to disrupt CPLANE1 protein function with a negative predictive value of 95%. In summary, the available evidence is currently insufficient to determine the role of this variant in disease. Therefore, it has been classified as a Variant of Uncertain Significance.